The following is an entry in ClinVar:

ClinVar aggregate classification (germline): Likely benign. Review status: criteria provided, multiple submitters, no conflicts (2 of 4 stars). 2 submissions from 2 submitters: Likely benign (2). Last evaluated 2026-01-23.

Conditions:
ACY1-related disorder. Also called: ACY1-related condition.

Allele frequency attached by ClinVar (database versions not stated): TOPMed 0.00002; gnomAD 0.00011; gnomAD exomes 0.00021; ExAC 0.00025; 1000 Genomes Project 30x 0.00047; 1000 Genomes Project 0.00060.
gnomAD v4.1: 309 of 1,614,082 alleles (0.019%); highest among the groups gnomAD compares: East Asian, 0.67%; 3 homozygotes.

Submissions (2):

PreventionGenetics, part of Exact Sciences
Classification: Likely benign for ACY1-related condition. Last evaluated: 2026-01-23. Review status: criteria provided, single submitter. Criteria: ACMG Guidelines, 2015. Collection method: clinical testing. Allele origin: germline.
Comment: This variant is classified as likely benign based on ACMG/AMP sequence variant interpretation guidelines (Richards et al. 2015 PMID: 25741868, with internal and published modifications).

Labcorp Genetics (formerly Invitae), Labcorp
Classification: Likely benign. Last evaluated: 2025-12-03. Review status: criteria provided, single submitter. Criteria: Invitae Variant Classification Sherloc (09022015). Collection method: clinical testing. Allele origin: germline.

NM_000666.3(ACY1):c.895G>A (p.Glu299Lys)

Genes: ABHD14A-ACY1 (ABHD14A-ACY1 readthrough; plus strand), ACY1 (aminoacylase 1; plus strand). Cytogenetic location: 3p21.2.
Variant type: single nucleotide variant.
Coding change: c.895G>A on transcript NM_000666.3 (MANE Select); coding-DNA position 895, G replaced by A.
Protein change: p.Glu299Lys; replaces glutamic acid 299 with lysine.
Molecular consequence: missense variant.
Genome position (GRCh38, 1-based): chr3:51,987,598, G>A. VCF-style: chr3-51987598-G-A. GRCh37 (hg19) VCF-style: chr3-52021614-G-A.
Other names: c.1165G>A, p.Glu389Lys (NM_001316331.2); c.895G>A, p.Glu299Lys (NM_001198895.2); c.679G>A, p.Glu227Lys (NM_001198896.2); c.700G>A, p.Glu234Lys (NM_001198897.2); c.790G>A, p.Glu264Lys (NM_001198898.2); c.895G>A (NM_000666.2); short protein forms E234K, E264K, E299K, E389K, E227K.
Identifiers: ClinVar variation 2157134 (VCV002157134.5), dbSNP rs201547992, ClinGen allele CA2428675.